The following is an entry in ClinVar:

NC_000009.11:g.(?_34459004)_(36276941_?)del

Genes: ARHGEF39 (Rho guanine nucleotide exchange factor 39; minus strand), ARID3C (AT-rich interaction domain 3C; minus strand), ATOSB (atos homolog B; minus strand), CA9 (carbonic anhydrase 9; plus strand), CCDC107 (coiled-coil domain containing 107; plus strand) and 45 more. Cytogenetic location: 9p13.3.
Variant type: Deletion.
Identifiers: ClinVar variation 1070621 (VCV001070621.6).

ClinVar aggregate classification (germline): Pathogenic (1 of 4 stars; one submission).

Conditions:
Hyperphosphatasia with impaired intellectual development syndrome 2. Also called: Hyperphosphatasia with intellectual disability syndrome 2; GLYCOSYLPHOSPHATIDYLINOSITOL BIOSYNTHESIS DEFECT 6. Identifiers: Orphanet 247262, MedGen C3553637, MONDO:0013882, OMIM 614749.

Submission:

Labcorp Genetics (formerly Invitae), Labcorp
Classification: Pathogenic for Hyperphosphatasia with impaired intellectual development syndrome 2. Last evaluated: 2020-07-13. Review status: criteria provided, single submitter. Criteria: Invitae Variant Classification Sherloc (09022015). Collection method: clinical testing. Allele origin: germline.
Comment: A gross deletion of the genomic region encompassing the full coding sequence of the PIGO gene has been identified. The boundaries of this event are unknown as the deletion extends beyond the assayed region for this gene and therefore may encompass additional genes. This variant has not been reported in the literature in individuals with PIGO-related disease. Loss-of-function variants in PIGO are known to be pathogenic (PMID: 22683086, 24417746). For these reasons, this variant has been classified as Pathogenic.

Literature cited by the submitters: PubMed 22683086; PubMed 24417746.